The following is an entry in ClinVar:

NM_016373.4(WWOX):c.791+1G>C

Gene: WWOX (WW domain containing oxidoreductase; plus strand). Cytogenetic location: 16q23.1.
Variant type: single nucleotide variant.
Coding change: c.791+1G>C on transcript NM_016373.4 (MANE Select); the canonical splice donor site of the intron after coding-DNA position 791, G replaced by C.
Molecular consequence: splice donor variant.
Genome position (GRCh38, 1-based): chr16:78,425,056, G>C. VCF-style: chr16-78425056-G-C. GRCh37 (hg19) VCF-style: chr16-78458953-G-C.
Other names: c.452+1G>C (NM_001291997.2).
Identifiers: ClinVar variation 3761420 (VCV003761420.2).

ClinVar aggregate classification (germline): Likely pathogenic (1 of 4 stars; one submission).

Conditions:
Developmental and epileptic encephalopathy, 1 (DEE1). Also called: X-linked infantile spasms; West's syndrome; Tonic spasms with clustering, arrest of psychomotor development and hypsarrhythmia on EEG; X-Linked Infantile Spasm Syndrome; OHTAHARA SYNDROME, X-LINKED; Epileptic encephalopathy, early infantile, 1. Identifiers: MedGen C3463992, MONDO:0010632, OMIM 308350. Disease mechanism: loss of function.
Autosomal recessive spinocerebellar ataxia 12. Also called: SPINOCEREBELLAR ATAXIA WITH MENTAL RETARDATION AND EPILEPSY. Identifiers: Orphanet 284282, MedGen C3280452, MONDO:0013687, OMIM 614322.

gnomAD v4.1: 3 of 1,613,396 alleles (0.00019%); highest among the groups gnomAD compares: Admixed American, 0.0017%; no homozygotes.

Submission:

Labcorp Genetics (formerly Invitae), Labcorp
Classification: Likely pathogenic for Developmental and epileptic encephalopathy, 1; Autosomal recessive spinocerebellar ataxia 12. Last evaluated: 2024-09-29. Review status: criteria provided, single submitter. Criteria: Invitae Variant Classification Sherloc (09022015). Collection method: clinical testing. Allele origin: germline.
Comment: This sequence change affects a donor splice site in intron 7 of the WWOX gene. It is expected to disrupt RNA splicing. Variants that disrupt the donor or acceptor splice site typically lead to a loss of protein function (PMID: 16199547), and loss-of-function variants in WWOX are known to be pathogenic (PMID: 24456803, 25411445). This variant is present in population databases (no rsID available, gnomAD 0.003%). This variant has not been reported in the literature in individuals affected with WWOX-related conditions. Algorithms developed to predict the effect of sequence changes on RNA splicing suggest that this variant may disrupt the consensus splice site. In summary, the currently available evidence indicates that the variant is pathogenic, but additional data are needed to prove that conclusively. Therefore, this variant has been classified as Likely Pathogenic.

Literature cited by the submitters: PubMed 16199547; PubMed 24456803; PubMed 25411445.